The following is an entry in ClinVar:

NM_016035.5(COQ4):c.352C>G (p.Leu118Val)

Gene: COQ4 (coenzyme Q4; plus strand). Cytogenetic location: 9q34.11.
Variant type: single nucleotide variant.
Coding change: c.352C>G on transcript NM_016035.5 (MANE Select); coding-DNA position 352, C replaced by G.
Protein change: p.Leu118Val; replaces leucine 118 with valine.
Molecular consequence: missense variant. On other transcripts: synonymous variant (1).
Genome position (GRCh38, 1-based): chr9:128,325,831, C>G. VCF-style: chr9-128325831-C-G. GRCh37 (hg19) VCF-style: chr9-131088110-C-G.
Other names: c.255C>G, p.Ala85= (NM_001305942.2); short protein forms L118V.
Identifiers: ClinVar variation 2090990 (VCV002090990.4), dbSNP rs2539416582, ClinGen allele CA375021308.

ClinVar aggregate classification (germline): Uncertain significance (1 of 4 stars; one submission).

Conditions:
Neonatal encephalomyopathy-cardiomyopathy-respiratory distress syndrome. Also called: Coenzyme Q10 deficiency, primary, 7. Identifiers: Orphanet 457185, MedGen C5568562, MONDO:0014562, OMIM 616276.

Submission:

Labcorp Genetics (formerly Invitae), Labcorp
Classification: Uncertain significance for Neonatal encephalomyopathy-cardiomyopathy-respiratory distress syndrome. Last evaluated: 2022-04-20. Review status: criteria provided, single submitter. Criteria: Invitae Variant Classification Sherloc (09022015). Collection method: clinical testing. Allele origin: germline.
Comment: In summary, the available evidence is currently insufficient to determine the role of this variant in disease. Therefore, it has been classified as a Variant of Uncertain Significance. Algorithms developed to predict the effect of missense changes on protein structure and function are either unavailable or do not agree on the potential impact of this missense change (SIFT: "Deleterious"; PolyPhen-2: "Probably Damaging"; Align-GVGD: "Class C0"). This variant has not been reported in the literature in individuals affected with COQ4-related conditions. This variant is not present in population databases (gnomAD no frequency). This sequence change replaces leucine, which is neutral and non-polar, with valine, which is neutral and non-polar, at codon 118 of the COQ4 protein (p.Leu118Val).